The following is an entry in ClinVar:

ClinVar aggregate classification (germline): Pathogenic. Review status: criteria provided, multiple submitters, no conflicts (2 of 4 stars). 3 submissions from 3 submitters: Pathogenic (2). 1 of the submissions does not count toward it. Last evaluated 2024-07-08.

Conditions:
Retinal dystrophy. Also called: Inherited retinal dystrophy. Identifiers: Orphanet 71862, MedGen C0854723, MeSH D058499, MONDO:0019118, HP:0000556.

Submissions (3):

Labcorp Genetics (formerly Invitae), Labcorp
Classification: Pathogenic. Last evaluated: 2024-07-08. Review status: criteria provided, single submitter. Criteria: Invitae Variant Classification Sherloc (09022015). Collection method: clinical testing. Allele origin: germline.
Comment: This sequence change replaces glutamine, which is neutral and polar, with lysine, which is basic and polar, at codon 293 of the BEST1 protein (p.Gln293Lys). This variant is not present in population databases (gnomAD no frequency). This missense change has been observed in individuals with autosomal dominant Best vitelliform macular dystrophy (PMID: 10394929, 31836750; Invitae). This variant is also known as C981A. ClinVar contains an entry for this variant (Variation ID: 99758). Advanced modeling of protein sequence and biophysical properties (such as structural, functional, and spatial information, amino acid conservation, physicochemical variation, residue mobility, and thermodynamic stability) performed at Invitae indicates that this missense variant is expected to disrupt BEST1 protein function with a positive predictive value of 95%. Experimental studies have shown that this missense change affects BEST1 function (PMID: 31836750). This variant disrupts the p.Gln293 amino acid residue in BEST1. Other variant(s) that disrupt this residue have been determined to be pathogenic (PMID: 17287362, 25489231). This suggests that this residue is clinically significant, and that variants that disrupt this residue are likely to be disease-causing. For these reasons, this variant has been classified as Pathogenic.

Institute of Human Genetics, Univ. Regensburg, Univ. Regensburg
Classification: Pathogenic for Retinal dystrophy. Last evaluated: 2006-01-01. Review status: criteria provided, single submitter. Criteria: ACMG Guidelines, 2015. Collection method: clinical testing. Allele origin: germline. Affected: yes.

Retina International
No classification provided. Review status: no classification provided. Collection method: not provided. Allele origin: not provided. Not counted in ClinVar's aggregate classification.

Literature cited by the submitters: PubMed 10394929 (cited by Labcorp Genetics (formerly Invitae), Labcorp and Institute of Human Genetics, Univ. Regensburg, Univ. Regensburg); PubMed 31836750 (cited by Labcorp Genetics (formerly Invitae), Labcorp and Institute of Human Genetics, Univ. Regensburg, Univ. Regensburg); PubMed 17287362 (cited by Labcorp Genetics (formerly Invitae), Labcorp); PubMed 25489231 (cited by Labcorp Genetics (formerly Invitae), Labcorp).

NM_004183.4(BEST1):c.877C>A (p.Gln293Lys)

Gene: BEST1 (bestrophin 1; plus strand). Cytogenetic location: 11q12.3.
Variant type: single nucleotide variant.
Coding change: c.877C>A on transcript NM_004183.4 (MANE Select); coding-DNA position 877, C replaced by A.
Protein change: p.Gln293Lys; replaces glutamine 293 with lysine.
Molecular consequence: missense variant. On other transcripts: non-coding transcript variant (1), intron variant (1).
Genome position (GRCh38, 1-based): chr11:61,959,507, C>A. VCF-style: chr11-61959507-C-A. GRCh37 (hg19) VCF-style: chr11-61726979-C-A.
Other names: c.697C>A, p.Gln233Lys (NM_001139443.3, NM_001300787.2); c.559C>A, p.Gln187Lys (NM_001363591.3); c.1080C>A, p.Ser360Arg (NM_001363592.2); c.-96C>A (NM_001363593.3); c.688-385C>A (NM_001300786.2); short protein forms Q293K, Q187K, Q233K, S360R.
Identifiers: ClinVar variation 99758 (VCV000099758.7), dbSNP rs281865250, ClinGen allele CA227826.